The following is an entry in ClinVar:

ClinVar aggregate classification (germline): Benign. Review status: criteria provided, multiple submitters, no conflicts (2 of 4 stars). 2 submissions from 2 submitters: Benign (2). Last evaluated 2026-01-20.

Allele frequency attached by ClinVar (database versions not stated): gnomAD exomes 0.00109; ExAC 0.00307; gnomAD 0.00797; ESP Exome Variant Server 0.00892; TOPMed 0.00910; 1000 Genomes Project 0.01158; 1000 Genomes Project 30x 0.01234.
gnomAD v4.1: 2,887 of 1,611,174 alleles (0.18%); highest among the groups gnomAD compares: African/African-American, 2.6%; 37 homozygotes.

Submissions (2):

Labcorp Genetics (formerly Invitae), Labcorp
Classification: Benign. Last evaluated: 2026-01-20. Review status: criteria provided, single submitter. Criteria: Invitae Variant Classification Sherloc (09022015). Collection method: clinical testing. Allele origin: germline.

Mayo Clinic Laboratories, Mayo Clinic
Classification: Benign. Last evaluated: 2024-12-13. Review status: criteria provided, single submitter. Criteria: ACMG Guidelines, 2015. Collection method: clinical testing. Allele origin: germline. Observed: 1 variant allele.
Comment: BA1, BS2, BP4_moderate

NM_001388308.1(KIF12):c.598G>T (p.Val200Leu)

Gene: KIF12 (kinesin family member 12; minus strand). Cytogenetic location: 9q32.
Variant type: single nucleotide variant.
Coding change: c.598G>T on transcript NM_001388308.1 (MANE Select); coding-DNA position 598, G replaced by T.
Protein change: p.Val200Leu; replaces valine 200 with leucine.
Molecular consequence: missense variant.
Genome position (GRCh38, 1-based): chr9:114,097,349, C>A on the plus strand (G>T on the coding strand, the complement: KIF12 is on the minus strand). VCF-style: chr9-114097349-C-A. GRCh37 (hg19) VCF-style: chr9-116859629-C-A.
Other names: p.Val62Leu; c.184G>T (NM_138424.1); c.184G>T, p.Val62Leu (NM_138424.2); short protein forms V200L, V62L.
Identifiers: ClinVar variation 2038963 (VCV002038963.5), dbSNP rs76057724, ClinGen allele CA5200817.